The following is an entry in ClinVar:

ClinVar aggregate classification (germline): Uncertain significance (1 of 4 stars; one submission).

Allele frequency attached by ClinVar (database versions not stated): TOPMed 0.00001 and 0.00002; gnomAD exomes below 0.00001; ExAC 0.00001.
gnomAD v4.1: 6 of 1,613,602 alleles (0.00037%); highest among the groups gnomAD compares: South Asian, 0.0022%; no homozygotes.

Submission:

GeneDx
Classification: Uncertain significance. Last evaluated: 2017-09-28. Review status: criteria provided, single submitter. Criteria: GeneDx Variant Classification (06012015). Collection method: clinical testing. Allele origin: germline. Affected: yes.
Comment: The R407Q variant in the KRT14 gene has not been reported previously as a pathogenic variant, nor as a benign variant, to our knowledge. The R407Q variant is not observed in large population cohorts (Lek et al., 2016). The R407Q variant is a semi-conservative amino acid substitution, which may impact secondary protein structure as these residues differ in some properties. This substitution occurs at a position where amino acids with similar properties to Arginine are tolerated across species. In silico analysis predicts this variant is probably damaging to the protein structure/function. We interpret R407Q as a variant of uncertain significance

NM_000526.5(KRT14):c.1220G>A (p.Arg407Gln)

Gene: KRT14 (keratin 14; minus strand). Cytogenetic location: 17q21.2.
Variant type: single nucleotide variant.
Coding change: c.1220G>A on transcript NM_000526.5 (MANE Select); coding-DNA position 1220, G replaced by A.
Protein change: p.Arg407Gln; replaces arginine 407 with glutamine.
Molecular consequence: missense variant.
Genome position (GRCh38, 1-based): chr17:41,583,289, C>T on the plus strand (G>A on the coding strand, the complement: KRT14 is on the minus strand). VCF-style: chr17-41583289-C-T. GRCh37 (hg19) VCF-style: chr17-39739541-C-T.
Other names: short protein forms R407Q.
Identifiers: ClinVar variation 452364 (VCV000452364.2), dbSNP rs767154712, ClinGen allele CA8562473.